The following is an entry in ClinVar:

ClinVar aggregate classification (germline): Uncertain significance (1 of 4 stars; one submission).

Submission:

Labcorp Genetics (formerly Invitae), Labcorp
Classification: Uncertain significance. Last evaluated: 2023-10-05. Review status: criteria provided, single submitter. Criteria: Invitae Variant Classification Sherloc (09022015). Collection method: clinical testing. Allele origin: germline.
Comment: This sequence change replaces glycine, which is neutral and non-polar, with valine, which is neutral and non-polar, at codon 107 of the ADCY5 protein (p.Gly107Val). This variant is not present in population databases (gnomAD no frequency). This variant has not been reported in the literature in individuals affected with ADCY5-related conditions. Advanced modeling of protein sequence and biophysical properties (such as structural, functional, and spatial information, amino acid conservation, physicochemical variation, residue mobility, and thermodynamic stability) performed at Invitae indicates that this missense variant is not expected to disrupt ADCY5 protein function. In summary, the available evidence is currently insufficient to determine the role of this variant in disease. Therefore, it has been classified as a Variant of Uncertain Significance.

NM_183357.3(ADCY5):c.320G>T (p.Gly107Val)

Gene: ADCY5 (adenylate cyclase 5; minus strand). Cytogenetic location: 3q21.1.
Variant type: single nucleotide variant.
Coding change: c.320G>T on transcript NM_183357.3 (MANE Select); coding-DNA position 320, G replaced by T.
Protein change: p.Gly107Val; replaces glycine 107 with valine.
Molecular consequence: missense variant.
Genome position (GRCh38, 1-based): chr3:123,448,226, C>A on the plus strand (G>T on the coding strand, the complement: ADCY5 is on the minus strand). VCF-style: chr3-123448226-C-A. GRCh37 (hg19) VCF-style: chr3-123167073-C-A.
Other names: c.320G>T, p.Gly107Val (NM_001378259.1); short protein forms G107V.
Identifiers: ClinVar variation 2765659 (VCV002765659.3), dbSNP rs1447414292, ClinGen allele CA354358358.